The following is an entry in ClinVar:

ClinVar aggregate classification (germline): Pathogenic (1 of 4 stars; one submission).

Conditions:
Tuberous sclerosis 2 (TSC2). Identifiers: Orphanet 805, MedGen C1860707, MONDO:0013199, OMIM 613254.

Submission:

Labcorp Genetics (formerly Invitae), Labcorp
Classification: Pathogenic for Tuberous sclerosis 2. Last evaluated: 2021-10-21. Review status: criteria provided, single submitter. Criteria: Invitae Variant Classification Sherloc (09022015). Collection method: clinical testing. Allele origin: germline.
Comment: This sequence change creates a premature translational stop signal (p.Ser491Argfs*44) in the TSC2 gene. It is expected to result in an absent or disrupted protein product. Loss-of-function variants in TSC2 are known to be pathogenic (PMID: 10205261, 17304050). This variant is not present in population databases (ExAC no frequency). This variant has not been reported in the literature in individuals affected with TSC2-related conditions. For these reasons, this variant has been classified as Pathogenic.

Literature cited by the submitters: PubMed 10205261; PubMed 17304050.

NM_000548.5(TSC2):c.1470del (p.Ser491fs)

Gene: TSC2 (TSC complex subunit 2; plus strand). Cytogenetic location: 16p13.3.
Variant type: Deletion.
Coding change: c.1470del on transcript NM_000548.5 (MANE Select); coding-DNA position 1470, one base deleted (C; older notation c.1470delC).
Protein change: p.Ser491fs; shifts the reading frame from serine 491.
Molecular consequence: frameshift variant.
Genome position (GRCh38, 1-based): chr16:2,064,298, C deleted. VCF-style (leftmost placement, unchanged base first): chr16-2064297-TC-T. GRCh37 (hg19) VCF-style: chr16-2114298-TC-T.
Other names: c.1470del, p.Ser491fs (NM_001077183.3, NM_001114382.3, NM_001363528.2 and 3 more transcripts); c.1359del, p.Ser454fs (NM_001318827.2); c.1323del, p.Ser442fs (NM_001318829.2); c.870del, p.Ser291fs (NM_001318831.2); c.1503del, p.Ser502fs (NM_001318832.2); short protein forms S502fs, S291fs, S442fs, S454fs, S491fs.
Identifiers: ClinVar variation 1418483 (VCV001418483.6), dbSNP rs2151188797, ClinGen allele CA2573151645.
Genomic context (GRCh38, chr16:2,064,297, plus strand): 5'-GCTGGCGCTCATTGGCCTCCCTTGTGCCTGTGCAGGAGGAGCTGATTAACTCAGTGGTCA[TC>T]TCGCAGCTCTCCCACATCCCCGAGGATAAAGACCACCAGGTCCGAAAGCTGGCCACCCAG-3'